The following is an entry in ClinVar:

ClinVar aggregate classification (germline): Uncertain significance (1 of 4 stars; one submission).

Submission:

Dasa
Classification: Uncertain significance. Last evaluated: 2026-04-27. Review status: criteria provided, single submitter. Criteria: DASA Assertion Criteria. Collection method: clinical testing. Allele origin: germline.
Comment: NM_002439.5(MSH3):c.929C>A (p.Thr310Asn) is a missense variant that results in the substitution of threonine with asparagine. This variant is rare in population databases. The currently available literature and clinical evidence are not sufficient to establish a definitive association between this variant and the reported condition. Therefore, this variant is classified as a variant of uncertain significance.

NM_002439.5(MSH3):c.929C>A (p.Thr310Asn)

Genes: MSH3 (mutS homolog 3; plus strand), LOC126807437 (MED14-independent group 3 enhancer GRCh37_chr5:79968379-79969578; plus strand). Cytogenetic location: 5q14.1.
Variant type: single nucleotide variant.
Coding change: c.929C>A on transcript NM_002439.5 (MANE Select); coding-DNA position 929, C replaced by A.
Protein change: p.Thr310Asn; replaces threonine 310 with asparagine.
Molecular consequence: missense variant.
Genome position (GRCh38, 1-based): chr5:80,672,760, C>A. VCF-style: chr5-80672760-C-A. GRCh37 (hg19) VCF-style: chr5-79968579-C-A.
Other names: short protein forms T310N.
Identifiers: ClinVar variation 4852664 (VCV004852664.2).